The following is an entry in ClinVar:

NM_017934.7(PHIP):c.235T>C (p.Cys79Arg)

Gene: PHIP (PHIP subunit of CUL4-Ring ligase complex; minus strand). Cytogenetic location: 6q14.1.
Variant type: single nucleotide variant.
Coding change: c.235T>C on transcript NM_017934.7 (MANE Select); coding-DNA position 235, T replaced by C.
Protein change: p.Cys79Arg; replaces cysteine 79 with arginine.
Molecular consequence: missense variant.
Genome position (GRCh38, 1-based): chr6:79,060,773, A>G on the plus strand (T>C on the coding strand, the complement: PHIP is on the minus strand). VCF-style: chr6-79060773-A-G. GRCh37 (hg19) VCF-style: chr6-79770490-A-G.
Other names: short protein forms C79R.
Identifiers: ClinVar variation 3572526 (VCV003572526.2).

ClinVar aggregate classification (germline): Likely pathogenic (1 of 4 stars; one submission).

Submission:

GeneDx
Classification: Likely pathogenic. Last evaluated: 2026-10-22. Review status: criteria provided, single submitter. Criteria: GeneDx Variant Classification Process June 2021. Collection method: clinical testing. Allele origin: germline.
Comment: Not observed at significant frequency in large population cohorts (gnomAD); In silico analysis supports that this missense variant has a deleterious effect on protein structure/function; This variant is associated with the following publications: (PMID: 35982160, 35982159, 38958063)